The following is an entry in ClinVar:

NM_002715.4(PPP2CA):c.312+23G>T

Gene: PPP2CA (protein phosphatase 2 catalytic subunit alpha; minus strand). Cytogenetic location: 5q31.1.
Variant type: single nucleotide variant.
Coding change: c.312+23G>T on transcript NM_002715.4 (MANE Select); 23 bases into the intron after coding-DNA position 312, G replaced by T.
Molecular consequence: intron variant.
Genome position (GRCh38, 1-based): chr5:134,205,899, C>A on the plus strand (G>T on the coding strand, the complement: PPP2CA is on the minus strand). VCF-style: chr5-134205899-C-A. GRCh37 (hg19) VCF-style: chr5-133541590-C-A.
Other names: c.117+23G>T (NM_001355019.2).
Identifiers: ClinVar variation 2506286 (VCV002506286.1), dbSNP rs2481058106, ClinGen allele CA446507091.
Genomic context (GRCh38, chr5:134,205,899, plus strand): 5'-AGAGAAAATAACTGGGGGAAAAAAAACTTTCAAGAGGACTGTCTTACCCATTTCAACATG[C>A]CCCAACATAAAATTGAAATTACCTTAAGAGCTACAAGCAGTGTAACTGTTTCAACTGAAT-3'

ClinVar aggregate classification (germline): Uncertain significance (1 of 4 stars; one submission).

Submission:

Women's Health and Genetics/Laboratory Corporation of America, LabCorp
Classification: Uncertain significance. Last evaluated: 2023-05-16. Review status: criteria provided, single submitter. Criteria: LabCorp Variant Classification Summary - May 2015. Collection method: clinical testing. Allele origin: germline.
Comment: Variant summary: PPP2CA c.312+23G>T is located at a position not widely known to affect splicing. One computational tools predicts a significant impact on normal splicing, predicting the variant abolishes a 5 splicing donor site. However, these predictions have yet to be confirmed by functional studies. The variant was absent in 250646 control chromosomes. The available data on variant occurrences in the general population are insufficient to allow any conclusion about variant significance. To our knowledge, no occurrence of c.312+23G>T in individuals affected with Neurodevelopmental Disorder And Language Delay With Or Without Structural Brain Abnormalities and no experimental evidence demonstrating its impact on protein function have been reported. No clinical diagnostic laboratories have submitted clinical-significance assessments for this variant to ClinVar after 2014. Based on the evidence outlined above, the variant was classified as VUS-possibly benign.